The following is an entry in ClinVar:

ClinVar aggregate classification (germline): Conflicting classifications of pathogenicity. Review status: criteria provided, conflicting classifications (1 of 4 stars). 5 submissions from 5 submitters: Uncertain significance (2); Benign (1); Likely benign (2). Last evaluated 2026-01-14.

Conditions:
Nephrolithiasis/nephrocalcinosis. Identifiers: MedGen CN580796.
Autosomal dominant hypocalcemia 1 (HYPOC1). Also called: HYPOCALCEMIA, FAMILIAL. Identifiers: MedGen C3715128, MONDO:0011013, OMIM 601198.
Familial hypocalciuric hypercalcemia (FHH). Also called: Familial benign hypercalcemia. Identifiers: Orphanet 405, MedGen C1809471, MONDO:0018458.
Familial hypocalciuric hypercalcemia 1. Also called: Hypercalcemia, familial benign type 1. Identifiers: Orphanet 405, Orphanet 93372, MedGen C0342637, MONDO:0007791, OMIM 145980.
Neonatal severe primary hyperparathyroidism. Identifiers: Orphanet 417, MedGen C1832615, MONDO:0009397, OMIM 239200.
Epilepsy, idiopathic generalized, susceptibility to, 8. Identifiers: MedGen C2752062, MONDO:0013032, OMIM 612899.

Allele frequency attached by ClinVar (database versions not stated): TOPMed 0.00006; gnomAD 0.00007; ESP Exome Variant Server 0.00008.
gnomAD v4.1: 196 of 1,614,060 alleles (0.012%); highest among the groups gnomAD compares: Non-Finnish European, 0.016%; no homozygotes.

Submissions (5):

Women's Health and Genetics/Laboratory Corporation of America, LabCorp
Classification: Likely benign. Last evaluated: 2026-01-14. Review status: criteria provided, single submitter. Criteria: LabCorp Variant Classification Summary - May 2015. Collection method: clinical testing. Allele origin: germline.
Comment: Variant summary: CASR c.3013G>A (p.Asp1005Asn) results in a conservative amino acid change in the encoded protein sequence. Algorithms developed to predict the effect of missense changes on protein structure and function are either unavailable or do not agree on the potential impact of this missense change. The variant allele was found at a frequency of 6e-05 in 251326 control chromosomes, predominantly at a frequency of 0.00012 within the Non-Finnish European subpopulation in the gnomAD database. The observed variant frequency within Non-Finnish European control individuals in the gnomAD database exceeds the estimated maximal expected allele frequency for disease-causing variants in CASR. c.3013G>A has been observed in individual(s) affected with Autosomal Dominant Hypocalcemia (Rus_2008). These report(s) do not provide unequivocal conclusions about association of the variant with Autosomal Dominant Hypocalcemia. At least one publication reports experimental evidence evaluating an impact on protein function (Rus_2008). These results showed no damaging effect of this variant. The following publication have been ascertained in the context of this evaluation (PMID: 18796518). ClinVar contains an entry for this variant (Variation ID: 420107). Based on the evidence outlined above, the variant was classified as likely benign.

Labcorp Genetics (formerly Invitae), Labcorp
Classification: Likely benign for Familial hypocalciuric hypercalcemia; Autosomal dominant hypocalcemia 1. Last evaluated: 2025-12-01. Review status: criteria provided, single submitter. Criteria: Invitae Variant Classification Sherloc (09022015). Collection method: clinical testing. Allele origin: germline.

Fulgent Genetics
Classification: Uncertain significance for Familial hypocalciuric hypercalcemia 1; Neonatal severe primary hyperparathyroidism; Autosomal dominant hypocalcemia 1; Epilepsy, idiopathic generalized, susceptibility to, 8. Last evaluated: 2024-06-13. Review status: criteria provided, single submitter. Criteria: ACMG Guidelines, 2015. Collection method: clinical testing. Allele origin: germline.

Ambry Genetics
Classification: Benign for Nephrolithiasis/nephrocalcinosis. Last evaluated: 2023-12-15. Review status: criteria provided, single submitter. Criteria: Ambry Variant Classification Scheme 2023. Collection method: clinical testing. Allele origin: germline.

GeneDx
Classification: Uncertain significance. Last evaluated: 2017-02-15. Review status: criteria provided, single submitter. Criteria: GeneDx Variant Classification (06012015). Collection method: clinical testing. Allele origin: germline. Affected: yes.
Comment: The D1005N variant in the CASR gene has been previously reported in an individual with familial hypocalciuric hypercalcemia; however, functional studies did not demonstrate a significant reduction in receptor calcium response (Rus et al., 2008). This variant is not observed at a significant frequency in large population cohorts (Lek et al., 2016; 1000 Genomes Consortium et al., 2015; Exome Variant Server). The D1005N variant is a semi-conservative amino acid substitution, which may impact secondary protein structure as these residues differ in some properties. This substitution occurs at a position where amino acids with similar properties to Aspartic Acid are tolerated across species. In silico analysis is inconsistent in its predictions as to whether or not the variant is damaging to the protein structure/function. We interpret D1005N as a variant of uncertain significance.

Literature cited by the submitters: PubMed 18796518 (cited by Women's Health and Genetics/Laboratory Corporation of America, LabCorp and Ambry Genetics); PubMed 21521328 (cited by Ambry Genetics).

NM_000388.4(CASR):c.3013G>A (p.Asp1005Asn)

Gene: CASR (calcium sensing receptor; plus strand). Cytogenetic location: 3q21.1.
Variant type: single nucleotide variant.
Coding change: c.3013G>A on transcript NM_000388.4 (MANE Select); coding-DNA position 3013, G replaced by A.
Protein change: p.Asp1005Asn; replaces aspartic acid 1005 with asparagine.
Molecular consequence: missense variant.
Genome position (GRCh38, 1-based): chr3:122,284,967, G>A. VCF-style: chr3-122284967-G-A. GRCh37 (hg19) VCF-style: chr3-122003814-G-A.
Other names: c.3043G>A, p.Asp1015Asn (NM_001178065.2); short protein forms D1005N, D1015N.
Identifiers: ClinVar variation 420107 (VCV000420107.18), dbSNP rs201990892, ClinGen allele CA2569906.